The following is an entry in ClinVar:

NM_001999.4(FBN2):c.3626A>G (p.Asn1209Ser)

Gene: FBN2 (fibrillin 2; minus strand). Cytogenetic location: 5q23.3.
Variant type: single nucleotide variant.
Coding change: c.3626A>G on transcript NM_001999.4 (MANE Select); coding-DNA position 3626, A replaced by G.
Protein change: p.Asn1209Ser; replaces asparagine 1209 with serine.
Molecular consequence: missense variant.
Genome position (GRCh38, 1-based): chr5:128,336,086, T>C on the plus strand (A>G on the coding strand, the complement: FBN2 is on the minus strand). VCF-style: chr5-128336086-T-C. GRCh37 (hg19) VCF-style: chr5-127671778-T-C.
Other names: short protein forms N1209S.
Identifiers: ClinVar variation 1704862 (VCV001704862.6), dbSNP rs527944843, ClinGen allele CA3395178.

ClinVar aggregate classification (germline): Conflicting classifications of pathogenicity. Review status: criteria provided, conflicting classifications (1 of 4 stars). 3 submissions from 3 submitters: Uncertain significance (1); Likely benign (2). Last evaluated 2025-03-10.

Conditions:
FBN2-related disorder. Also called: FBN2-related condition.
Congenital contractural arachnodactyly (CCA). Also called: Beals-Hecht syndrome; Arthrogryposis, distal, type 9; BEALS SYNDROME. Identifiers: Orphanet 115, MedGen C0220668, MONDO:0007363, OMIM 121050.

Allele frequency attached by ClinVar (database versions not stated): gnomAD 0.00001; ExAC 0.00003; 1000 Genomes Project 30x 0.00016; 1000 Genomes Project 0.00020.
gnomAD v4.1: 24 of 1,613,520 alleles (0.0015%); highest among the groups gnomAD compares: East Asian, 0.027%; no homozygotes.

Submissions (3):

Labcorp Genetics (formerly Invitae), Labcorp
Classification: Likely benign for Congenital contractural arachnodactyly. Last evaluated: 2025-03-10. Review status: criteria provided, single submitter. Criteria: Invitae Variant Classification Sherloc (09022015). Collection method: clinical testing. Allele origin: germline.

PreventionGenetics, part of Exact Sciences
Classification: Likely benign for FBN2-related condition. Last evaluated: 2024-10-17. Review status: criteria provided, single submitter. Criteria: ACMG Guidelines, 2015. Collection method: clinical testing. Allele origin: germline.
Comment: This variant is classified as likely benign based on ACMG/AMP sequence variant interpretation guidelines (Richards et al. 2015 PMID: 25741868, with internal and published modifications).

GeneDx
Classification: Uncertain significance. Last evaluated: 2022-03-07. Review status: criteria provided, single submitter. Criteria: GeneDx Variant Classification Process June 2021. Collection method: clinical testing. Allele origin: germline. Affected: yes.
Comment: Has not been previously published as pathogenic or benign to our knowledge; In silico analysis supports that this missense variant does not alter protein structure/function; Although located in a calcium-binding EGF-like domain of the FBN2 gene, it does not affect a cysteine residue within this domain; cysteine substitutions in the calcium-binding EGF-like domains represent the majority of pathogenic missense changes associated with FBN2-related disorders (Frdric et al., 2009); This variant is associated with the following publications: (PMID: 18767143)